The following is an entry in ClinVar:

NM_031935.3(HMCN1):c.2710G>A (p.Gly904Arg)

Gene: HMCN1 (hemicentin 1; plus strand). Cytogenetic location: 1q31.1.
Variant type: single nucleotide variant.
Coding change: c.2710G>A on transcript NM_031935.3 (MANE Select); coding-DNA position 2710, G replaced by A.
Protein change: p.Gly904Arg; replaces glycine 904 with arginine.
Molecular consequence: missense variant.
Genome position (GRCh38, 1-based): chr1:185,982,309, G>A. VCF-style: chr1-185982309-G-A. GRCh37 (hg19) VCF-style: chr1-185951441-G-A.
Other names: short protein forms G904R.
Identifiers: ClinVar variation 3709478 (VCV003709478.2).

ClinVar aggregate classification (germline): Uncertain significance (1 of 4 stars; one submission).

Submission:

Labcorp Genetics (formerly Invitae), Labcorp
Classification: Uncertain significance. Last evaluated: 2024-04-15. Review status: criteria provided, single submitter. Criteria: Invitae Variant Classification Sherloc (09022015). Collection method: clinical testing. Allele origin: germline.
Comment: This sequence change replaces glycine, which is neutral and non-polar, with arginine, which is basic and polar, at codon 904 of the HMCN1 protein (p.Gly904Arg). This variant is not present in population databases (gnomAD no frequency). This variant has not been reported in the literature in individuals affected with HMCN1-related conditions. An algorithm developed to predict the effect of missense changes on protein structure and function (PolyPhen-2) suggests that this variant is likely to be disruptive. In summary, the available evidence is currently insufficient to determine the role of this variant in disease. Therefore, it has been classified as a Variant of Uncertain Significance.